The following is an entry in ClinVar:

ClinVar aggregate classification (germline): Pathogenic (1 of 4 stars; one submission).

Submission:

GeneDx
Classification: Pathogenic. Last evaluated: 2026-01-28. Review status: criteria provided, single submitter. Criteria: GeneDx Variant Classification Process June 2021. Collection method: clinical testing. Allele origin: germline. Affected: yes.
Comment: This substitution is predicted to be within the C-terminal cytoplasmic domain; In silico analysis supports that this missense variant has a deleterious effect on protein structure/function; Not observed at significant frequency in large population cohorts (gnomAD); Has not been previously reported as pathogenic in association with KCNQ2-related disorder or benign to our knowledge; This variant is associated with the following publications: (PMID: 25385787, 15662042)

NM_172107.4(KCNQ2):c.940T>C (p.Ser314Pro)

Gene: KCNQ2 (potassium voltage-gated channel subfamily Q member 2; minus strand). Cytogenetic location: 20q13.33.
Variant type: single nucleotide variant.
Coding change: c.940T>C on transcript NM_172107.4 (MANE Select); coding-DNA position 940, T replaced by C.
Protein change: p.Ser314Pro; replaces serine 314 with proline.
Molecular consequence: missense variant.
Genome position (GRCh38, 1-based): chr20:63,438,708, A>G on the plus strand (T>C on the coding strand, the complement: KCNQ2 is on the minus strand). VCF-style: chr20-63438708-A-G. GRCh37 (hg19) VCF-style: chr20-62070061-A-G.
Other names: c.940T>C, p.Ser314Pro (NM_004518.6, NM_172106.3, NM_172108.5 and 1 more transcripts); short protein forms S314P.
Identifiers: ClinVar variation 421323 (VCV000421323.4), dbSNP rs1064795058, ClinGen allele CA16620970.